The following is an entry in ClinVar:

NC_000012.11:g.(?_1902821)_(1910304_?)del

Gene: CACNA2D4 (calcium voltage-gated channel auxiliary subunit alpha2delta 4; minus strand). Cytogenetic location: 12p13.33.
Variant type: Deletion.
Identifiers: ClinVar variation 3244444 (VCV003244444.1).

ClinVar aggregate classification (germline): Uncertain significance (1 of 4 stars; one submission).

Submission:

Labcorp Genetics (formerly Invitae), Labcorp
Classification: Uncertain significance. Last evaluated: 2022-06-08. Review status: criteria provided, single submitter. Criteria: Invitae Variant Classification Sherloc (09022015). Collection method: clinical testing. Allele origin: unknown.
Comment: This variant has not been reported in the literature in individuals affected with CACNA2D4-related conditions. This variant is a gross deletion of the genomic region encompassing exon(s) 31-38 of the CACNA2D4 gene, which includes the termination codon. This deletion extends beyond the assayed region for this gene and therefore may encompass additional genes. While this deletion is not anticipated to lead to nonsense mediated decay, it is expected to alter mRNA translation or result in a truncated protein product. In summary, the available evidence is currently insufficient to determine the role of this variant in disease. Therefore, it has been classified as a Variant of Uncertain Significance.